The following is an entry in ClinVar:

ClinVar aggregate classification (germline): Likely benign (0 of 4 stars; one submission).

Conditions:
MPLKIP-related disorder. Also called: MPLKIP-related condition.

Submission:

PreventionGenetics, part of Exact Sciences
Classification: Likely benign for MPLKIP-related condition. Last evaluated: 2019-07-11. Review status: no assertion criteria provided. Collection method: clinical testing. Allele origin: germline.
Comment: This variant is classified as likely benign based on ACMG/AMP sequence variant interpretation guidelines (Richards et al. 2015 PMID: 25741868, with internal and published modifications).

NM_138701.4(MPLKIP):c.42T>G (p.Pro14=)

Gene: MPLKIP (M-phase specific PLK1 interacting protein; minus strand). Cytogenetic location: 7p14.1.
Variant type: single nucleotide variant.
Coding change: c.42T>G on transcript NM_138701.4 (MANE Select); coding-DNA position 42, T replaced by G.
Protein change: p.Pro14=; no amino-acid change (proline 14 retained).
Molecular consequence: synonymous variant.
Genome position (GRCh38, 1-based): chr7:40,134,526, A>C on the plus strand (T>G on the coding strand, the complement: MPLKIP is on the minus strand). VCF-style: chr7-40134526-A-C. GRCh37 (hg19) VCF-style: chr7-40174125-A-C.
Identifiers: ClinVar variation 3050831 (VCV003050831.2), dbSNP rs2484143200, ClinGen allele CA454825390.